The following is an entry in ClinVar:

NM_004188.8(GFI1B):c.-273T>C

Gene: GFI1B (growth factor independent 1B transcriptional repressor; plus strand). Cytogenetic location: 9q34.13.
Variant type: single nucleotide variant.
Coding change: c.-273T>C on transcript NM_004188.8; 273 bases upstream of the start codon, T replaced by C.
Molecular consequence: 5 prime UTR variant.
Genome position (GRCh38, 1-based): chr9:132,978,589, T>C. VCF-style: chr9-132978589-T-C. GRCh37 (hg19) VCF-style: chr9-135853976-T-C.
Identifiers: ClinVar variation 5041187 (VCV005041187.1).

ClinVar aggregate classification (germline): Benign (1 of 4 stars; one submission).

Submission:

CeGaT Center for Human Genetics Tuebingen
Classification: Benign. Last evaluated: 2026-09-01. Review status: criteria provided, single submitter. Criteria: CeGaT Center For Human Genetics Tuebingen Variant Classification Criteria Version 2. Collection method: clinical testing. Allele origin: germline. Affected: yes. Observed: 1 variant allele.
Comment: GFI1B: BS1, BS2